The following is an entry in ClinVar:

ClinVar aggregate classification (germline): Likely benign. Review status: criteria provided, single submitter (1 of 4 stars). 2 submissions from 2 submitters: Likely benign (1). 1 of the submissions does not count toward it. Last evaluated 2024-01-16.

Conditions:
Inborn genetic diseases. Identifiers: MedGen C0950123, MeSH D030342.
LAMA5-related disorder. Also called: LAMA5-related condition; LAMA5-Related Disorders.

Allele frequency attached by ClinVar (database versions not stated): TOPMed 0.00002; ExAC 0.00003; gnomAD exomes 0.00003; gnomAD 0.00005; 1000 Genomes Project 0.00020; 1000 Genomes Project 30x 0.00031.
gnomAD v4.1: 51 of 1,610,642 alleles (0.0032%); highest among the groups gnomAD compares: Middle Eastern, 0.017%; no homozygotes.

Submissions (2):

Ambry Genetics
Classification: Likely benign for Inborn genetic diseases. Last evaluated: 2024-01-16. Review status: criteria provided, single submitter. Criteria: Ambry Variant Classification Scheme 2023. Collection method: clinical testing. Allele origin: germline.

PreventionGenetics, part of Exact Sciences
Classification: Likely benign for LAMA5-related condition. Last evaluated: 2024-05-09. Review status: no assertion criteria provided. Collection method: clinical testing. Allele origin: germline. Not counted in ClinVar's aggregate classification.
Comment: This variant is classified as likely benign based on ACMG/AMP sequence variant interpretation guidelines (Richards et al. 2015 PMID: 25741868, with internal and published modifications).

NM_005560.6(LAMA5):c.2310C>T (p.Pro770=)

Gene: LAMA5 (laminin subunit alpha 5; minus strand). Cytogenetic location: 20q13.33.
Variant type: single nucleotide variant.
Coding change: c.2310C>T on transcript NM_005560.6 (MANE Select); coding-DNA position 2310, C replaced by T.
Protein change: p.Pro770=; no amino-acid change (proline 770 retained).
Molecular consequence: synonymous variant.
Genome position (GRCh38, 1-based): chr20:62,336,353, G>A on the plus strand (C>T on the coding strand, the complement: LAMA5 is on the minus strand). VCF-style: chr20-62336353-G-A. GRCh37 (hg19) VCF-style: chr20-60911409-G-A.
Other names: c.2310C>T (NM_005560.4).
Identifiers: ClinVar variation 3117508 (VCV003117508.2), dbSNP rs574153553, ClinGen allele CA9943514.